The following is an entry in ClinVar:

NM_007294.4(BRCA1):c.4247C>G (p.Ala1416Gly)

Gene: BRCA1 (BRCA1 DNA repair associated; minus strand). Cytogenetic location: 17q21.31.
Variant type: single nucleotide variant.
Coding change: c.4247C>G on transcript NM_007294.4 (MANE Select); coding-DNA position 4247, C replaced by G.
Protein change: p.Ala1416Gly; replaces alanine 1416 with glycine.
Molecular consequence: missense variant. On other transcripts: non-coding transcript variant (1).
Genome position (GRCh38, 1-based): chr17:43,082,514, G>C on the plus strand (C>G on the coding strand, the complement: BRCA1 is on the minus strand). VCF-style: chr17-43082514-G-C. GRCh37 (hg19) VCF-style: chr17-41234531-G-C.
Other names: c.725C>G, p.Ala242Gly (NM_001408513.1, NM_001408489.1, NM_001408490.1 and 3 more transcripts); c.728C>G, p.Ala243Gly (NM_001408514.1, NM_001408478.1, NM_001408479.1 and 6 more transcripts); c.4106C>G, p.Ala1369Gly (NM_007297.4, NM_001407725.1, NM_001407726.1 and 23 more transcripts); c.938C>G, p.Ala313Gly (NM_007298.4, NM_007299.4, NM_007304.2 and 9 more transcripts); c.4247C>G, p.Ala1416Gly (NM_007300.4, NM_001407581.1, NM_001407582.1 and 23 more transcripts); c.4034C>G, p.Ala1345Gly (NM_001407571.1, NM_001407853.1, NM_001407894.1 and 12 more transcripts); c.4244C>G, p.Ala1415Gly (NM_001407587.1, NM_001407590.1, NM_001407591.1 and 21 more transcripts); c.4241C>G, p.Ala1414Gly (NM_001407627.1, NM_001407628.1, NM_001407644.1 and 5 more transcripts); and 51 more; short protein forms A1369G, A313G, A1416G, A1289G, A1327G, A1344G, A1388G, A1389G.
Identifiers: ClinVar variation 824716 (VCV000824716.8), dbSNP rs1597848252, ClinGen allele CA10593225.
Genomic context (GRCh38, chr17:43,082,514, plus strand): 5'-GAGTCACTTATGATGGAAGGGTAGCTGTTAGAAGGCTGGCTCCCATGCTGTTCTAACACA[G>C]CTTCTAGTTCAGCCATTTCCTGCTGGAGCTTTATCAGGTTATGTTGCATGGTATCCCTCT-3'
Protein context (NP_009225.1, residues 1406-1426): KLQQEMAELE[Ala1416Gly]VLEQHGSQPS

ClinVar aggregate classification (germline): Uncertain significance. Review status: criteria provided, multiple submitters, no conflicts (2 of 4 stars). 4 submissions from 4 submitters: Uncertain significance (4). Last evaluated 2023-09-27.

Conditions:
Hereditary cancer-predisposing syndrome. Also called: Hereditary Cancer Syndrome; Hereditary neoplastic syndrome; Neoplastic Syndromes, Hereditary; Tumor predisposition. Identifiers: Orphanet 140162, MedGen C0027672, MeSH D009386, MONDO:0015356.
Breast-ovarian cancer, familial, susceptibility to, 1 (BROVCA1). Also called: OVARIAN CANCER, SUSCEPTIBILITY TO; BRCA1 Hereditary Breast and Ovarian Cancer. Identifiers: Orphanet 145, MedGen C2676676, MONDO:0011450, OMIM 604370. Disease mechanism: loss of function.

Submissions (4):

Baylor Genetics
Classification: Uncertain significance for Breast-ovarian cancer, familial, susceptibility to, 1. Last evaluated: 2023-09-27. Review status: criteria provided, single submitter. Criteria: ACMG Guidelines, 2015. Collection method: clinical testing. Allele origin: unknown.

Quest Diagnostics Nichols Institute San Juan Capistrano
Classification: Uncertain significance. Last evaluated: 2023-08-15. Review status: criteria provided, single submitter. Criteria: Quest Diagnostics criteria. Collection method: clinical testing. Allele origin: unknown.
Comment: This variant has not been reported in individuals with BRCA1-related conditions in the published literature. It also has not been reported in large, multi-ethnic general populations (Genome Aggregation Database). Analysis of this variant using bioinformatics tools for the prediction of the effect of amino acid changes on protein structure and function yielded conflicting predictions that this variant is deleterious or benign. Additional analysis using software algorithms for the prediction of the effect of nucleotide changes on BRCA1 mRNA splicing yielded predictions that this variant may result in the gain of a cryptic splice site without affecting the natural splice sites . Based on the available information, we are unable to determine the clinical significance of this variant.

GeneDx
Classification: Uncertain significance. Last evaluated: 2023-05-02. Review status: criteria provided, single submitter. Criteria: GeneDx Variant Classification Process June 2021. Collection method: clinical testing. Allele origin: germline. Affected: yes.
Comment: Not observed at significant frequency in large population cohorts (gnomAD); In silico analysis supports that this missense variant has a deleterious effect on protein structure/function; Has not been previously published as pathogenic or benign to our knowledge; Also known as 4366C>G; This variant is associated with the following publications: (PMID: 15343273, 22737296, 19369211)

Ambry Genetics
Classification: Uncertain significance for Hereditary cancer-predisposing syndrome. Last evaluated: 2019-09-16. Review status: criteria provided, single submitter. Criteria: Ambry Variant Classification Scheme 2023. Collection method: clinical testing. Allele origin: germline.
Comment: The p.A1416G variant (also known as c.4247C>G), located in coding exon 11 of the BRCA1 gene, results from a C to G substitution at nucleotide position 4247. The alanine at codon 1416 is replaced by glycine, an amino acid with similar properties. This amino acid position is highly conserved in available vertebrate species. In addition, the in silico prediction for this alteration is inconclusive. Since supporting evidence is limited at this time, the clinical significance of this alteration remains unclear.

Literature cited by the submitters: PubMed 32377563 (cited by Quest Diagnostics Nichols Institute San Juan Capistrano); PubMed 29884841 (cited by Quest Diagnostics Nichols Institute San Juan Capistrano).